The following is an entry in ClinVar:

NM_181486.4(TBX5):c.473_476del (p.Leu158fs)

Gene: TBX5 (T-box transcription factor 5; minus strand). Cytogenetic location: 12q24.21.
Variant type: Deletion.
Coding change: c.473_476del on transcript NM_181486.4 (MANE Select); coding-DNA positions 473 to 476, 4 bases deleted (TCAA; older notation c.473_476delTCAA).
Protein change: p.Leu158fs; shifts the reading frame from leucine 158.
Molecular consequence: frameshift variant.
Genome position (GRCh38, 1-based): chr12:114,398,607-114,398,610, TTGA deleted on the plus strand (TCAA on the coding strand, the reverse complement: TBX5 is on the minus strand). VCF-style (leftmost placement, unchanged base first): chr12-114398606-CTTGA-C. GRCh37 (hg19) VCF-style: chr12-114836411-CTTGA-C.
Other names: c.473_476delTCAA (NM_000192.3); c.473_476del, p.Leu158fs (NM_000192.3); c.323_326del, p.Leu108fs (NM_080717.4); short protein forms L108fs, L158fs.
Identifiers: ClinVar variation 503839 (VCV000503839.2), dbSNP rs1555226305, ClinGen allele CA658797965.

ClinVar aggregate classification (germline): Pathogenic (1 of 4 stars; one submission).

Submission:

GeneDx
Classification: Pathogenic. Last evaluated: 2017-11-20. Review status: criteria provided, single submitter. Criteria: GeneDx Variant Classification (06012015). Collection method: clinical testing. Allele origin: germline. Affected: yes.
Comment: The c.473_476delTCAA pathogenic variant in the TBX5 gene causes a frameshift starting with codon Leucine 158, changes this amino acid to a Arginine residue and creates a premature Stop codon at position 15 of the new reading frame, denoted p.Leu158ArgfsX15. This pathogenic variant is predicted to cause loss of normal protein function either through protein truncation or nonsense-mediated mRNA decay. The c.473_476delTCAA variant is not observed in large population cohorts (Lek et al., 2016).